The following is an entry in ClinVar:

NM_019066.5(MAGEL2):c.2287T>C (p.Ser763Pro)

Gene: MAGEL2 (MAGE family member L2; minus strand). Cytogenetic location: 15q11.2.
Variant type: single nucleotide variant.
Coding change: c.2287T>C on transcript NM_019066.5 (MANE Select); coding-DNA position 2287, T replaced by C.
Protein change: p.Ser763Pro; replaces serine 763 with proline.
Molecular consequence: missense variant.
Genome position (GRCh38, 1-based): chr15:23,645,456, A>G on the plus strand (T>C on the coding strand, the complement: MAGEL2 is on the minus strand). VCF-style: chr15-23645456-A-G. GRCh37 (hg19) VCF-style: chr15-23890603-A-G.
Other names: short protein forms S763P.
Identifiers: ClinVar variation 2980888 (VCV002980888.3), dbSNP rs2503977614, ClinGen allele CA391332298.
Genomic context (GRCh38, chr15:23,645,456, plus strand): 5'-AGGTCTCCGGTGTGGCAGGCAGGTTTTTCCAGGCAGCTGGCAGGTGTGCTCGCGCAGCTG[A>G]CACTGCCTTGGGAGCACAGAAGGTGGCAGCAAAGATCATGCGGTCTTTTGAAGGGGCCCT-3'
Protein context (NP_061939.3, residues 753-773): AATFCAPKAV[Ser763Pro]AARAHLPAAW

ClinVar aggregate classification (germline): Uncertain significance (1 of 4 stars; one submission).

Submission:

Labcorp Genetics (formerly Invitae), Labcorp
Classification: Uncertain significance. Last evaluated: 2023-05-29. Review status: criteria provided, single submitter. Criteria: Invitae Variant Classification Sherloc (09022015). Collection method: clinical testing. Allele origin: germline.
Comment: In summary, the available evidence is currently insufficient to determine the role of this variant in disease. Therefore, it has been classified as a Variant of Uncertain Significance. Advanced modeling of protein sequence and biophysical properties (such as structural, functional, and spatial information, amino acid conservation, physicochemical variation, residue mobility, and thermodynamic stability) performed at Invitae indicates that this missense variant is not expected to disrupt MAGEL2 protein function. This variant has not been reported in the literature in individuals affected with MAGEL2-related conditions. This variant is not present in population databases (gnomAD no frequency). This sequence change replaces serine, which is neutral and polar, with proline, which is neutral and non-polar, at codon 763 of the MAGEL2 protein (p.Ser763Pro).